The following is an entry in ClinVar:

NM_001377.3(DYNC2H1):c.5151+178T>C

Gene: DYNC2H1 (dynein cytoplasmic 2 heavy chain 1; plus strand). Cytogenetic location: 11q22.3.
Variant type: single nucleotide variant.
Coding change: c.5151+178T>C on transcript NM_001377.3 (MANE Select); 178 bases into the intron after coding-DNA position 5151, T replaced by C.
Molecular consequence: intron variant.
Genome position (GRCh38, 1-based): chr11:103,170,468, T>C. VCF-style: chr11-103170468-T-C. GRCh37 (hg19) VCF-style: chr11-103041197-T-C.
Other names: c.5151+178T>C (NM_001080463.2).
Identifiers: ClinVar variation 667695 (VCV000667695.1), dbSNP rs634192, ClinGen allele CA13552009.
Genomic context (GRCh38, chr11:103,170,468, plus strand): 5'-AATTTGTTTAAATTGAAATGTAAAATGGACAGAGGTTGTACGTAGTATAGTCCAAAACTT[T>C]TCTAAGAATTATGGCAAAGAAATAATTTTAAATACAGAATGAAGATTTATATTACATTGA-3'

ClinVar aggregate classification (germline): Benign (1 of 4 stars; one submission).

Allele frequency attached by ClinVar (database versions not stated): 1000 Genomes Project 30x 0.66177; TOPMed 0.66799; gnomAD 0.67022 and 0.67502; 1000 Genomes Project 0.67093.
gnomAD v4.1: 102,669 of 152,062 alleles (68%); highest among the groups gnomAD compares: East Asian, 77%; 35,549 homozygotes.

Submission:

GeneDx
Classification: Benign. Last evaluated: 2018-06-14. Review status: criteria provided, single submitter. Criteria: GeneDx Variant Classification (06012015). Collection method: clinical testing. Allele origin: germline. Affected: yes.
Comment: This variant is considered likely benign or benign based on one or more of the following criteria: it is a conservative change, it occurs at a poorly conserved position in the protein, it is predicted to be benign by multiple in silico algorithms, and/or has population frequency not consistent with disease.